The following is an entry in ClinVar:

NC_000017.10:g.(?_58227396)_(59938900_?)dup

Genes: APPBP2 (amyloid beta precursor protein binding protein 2; minus strand), BCAS3 (BCAS3 microtubule associated cell migration factor; plus strand), BRIP1 (BRCA1 interacting DNA helicase 1; minus strand), CA4 (carbonic anhydrase 4; plus strand), CHCT1 (CHD1 helical C-terminal domain containing 1; plus strand) and 6 more. Cytogenetic location: 17q23.1-23.2.
Variant type: Duplication.
Identifiers: ClinVar variation 2423351 (VCV002423351.3).

ClinVar aggregate classification (germline): Uncertain significance (1 of 4 stars; one submission).

Submission:

Labcorp Genetics (formerly Invitae), Labcorp
Classification: Uncertain significance. Last evaluated: 2022-08-03. Review status: criteria provided, single submitter. Criteria: Invitae Variant Classification Sherloc (09022015). Collection method: clinical testing. Allele origin: germline.
Comment: A copy number gain of the genomic region encompassing the full coding sequence of the CA4 gene has been identified. The boundaries of this event are unknown as they extend beyond the assayed region for this gene and therefore may encompass additional genes. As the precise location of this event is unknown, it may be in tandem or it may be located elsewhere in the genome. This variant has not been reported in the literature in individuals affected with CA4-related conditions. Experimental studies and prediction algorithms are not available or were not evaluated, and the functional significance of this variant is currently unknown. In summary, the available evidence is currently insufficient to determine the role of this variant in disease. Therefore, it has been classified as a Variant of Uncertain Significance.